The following is an entry in ClinVar:

ClinVar aggregate classification (germline): Benign. Review status: criteria provided, multiple submitters, no conflicts (2 of 4 stars). 5 submissions from 5 submitters: Benign (5). Last evaluated 2026-02-01.

Allele frequency attached by ClinVar (database versions not stated): gnomAD exomes 0.00221; ExAC 0.00255; 1000 Genomes Project 0.00699; 1000 Genomes Project 30x 0.00703; gnomAD 0.00859 and 0.00941; ESP Exome Variant Server 0.00907; TOPMed 0.01017.
gnomAD v4.1: 2,652 of 1,614,242 alleles (0.16%); highest among the groups gnomAD compares: African/African-American, 3.1%; 24 homozygotes.

Submissions (5):

Labcorp Genetics (formerly Invitae), Labcorp
Classification: Benign. Last evaluated: 2026-02-01. Review status: criteria provided, single submitter. Criteria: Invitae Variant Classification Sherloc (09022015). Collection method: clinical testing. Allele origin: germline.

ARUP Laboratories, Molecular Genetics and Genomics, ARUP Laboratories
Classification: Benign. Last evaluated: 2020-04-30. Review status: criteria provided, single submitter. Criteria: ARUP Molecular Germline Variant Investigation Process. Collection method: clinical testing. Allele origin: germline.

GeneDx
Classification: Benign. Last evaluated: 2019-07-22. Review status: criteria provided, single submitter. Criteria: GeneDx Variant Classification Process June 2021. Collection method: clinical testing. Allele origin: germline. Affected: yes.

Laboratory for Molecular Medicine, Mass General Brigham Personalized Medicine
Classification: Benign. Last evaluated: 2012-05-07. Review status: criteria provided, single submitter. Criteria: LMM Criteria. Collection method: clinical testing. Allele origin: germline. Observed: 9 variant alleles.
Comment: Pro357Ser in Exon 06 of ESPN: This variant is not expected to have clinical sign ificance because it has been identified in 2.5% (93/3738) of African American ch romosomes from a broad population by the NHLBI Exome Sequencing Project (dbSNP rs116413227).

Breakthrough Genomics
Classification: Benign. Review status: criteria provided, single submitter. Criteria: ACMG Guidelines, 2015. Collection method: not provided. Allele origin: germline. Inheritance: Autosomal recessive inheritance. Affected: yes.

NM_031475.3(ESPN):c.1069C>T (p.Pro357Ser)

Gene: ESPN (espin; plus strand). Cytogenetic location: 1p36.31.
Variant type: single nucleotide variant.
Coding change: c.1069C>T on transcript NM_031475.3 (MANE Select); coding-DNA position 1069, C replaced by T.
Protein change: p.Pro357Ser; replaces proline 357 with serine.
Molecular consequence: missense variant.
Genome position (GRCh38, 1-based): chr1:6,444,559, C>T. VCF-style: chr1-6444559-C-T. GRCh37 (hg19) VCF-style: chr1-6504619-C-T.
Other names: c.1069C>T, p.Pro357Ser (NM_001367473.1, NM_001367474.1); short protein forms P357S.
Identifiers: ClinVar variation 178607 (VCV000178607.26), dbSNP rs116413227, ClinGen allele CA182646.